The following is an entry in ClinVar:

ClinVar aggregate classification (germline): Conflicting classifications of pathogenicity. Review status: criteria provided, conflicting classifications (1 of 4 stars). 7 submissions from 7 submitters: Uncertain significance (6); Likely benign (1). Last evaluated 2025-11-19.

Conditions:
Hereditary breast ovarian cancer syndrome. Also called: BRCA1- and BRCA2-Associated Hereditary Breast and Ovarian Cancer; Hereditary breast and ovarian cancer syndrome (HBOC); Hereditary breast and ovarian cancer syndrome; Breast and ovarian cancer; Hereditary breast and ovarian cancer; Hereditary breast and/or ovarian cancer syndrome. Identifiers: Orphanet 145, MedGen C0677776, MeSH D061325, MONDO:0003582. Disease mechanism: loss of function.
Hereditary cancer-predisposing syndrome. Also called: Hereditary Cancer Syndrome; Hereditary neoplastic syndrome; Neoplastic Syndromes, Hereditary; Tumor predisposition. Identifiers: Orphanet 140162, MedGen C0027672, MeSH D009386, MONDO:0015356.
Breast-ovarian cancer, familial, susceptibility to, 1 (BROVCA1). Also called: OVARIAN CANCER, SUSCEPTIBILITY TO; BRCA1 Hereditary Breast and Ovarian Cancer. Identifiers: Orphanet 145, MedGen C2676676, MONDO:0011450, OMIM 604370. Disease mechanism: loss of function.

Allele frequency attached by ClinVar (database versions not stated): gnomAD 0.00001; TOPMed 0.00001.
gnomAD v4.1: 2 of 1,613,812 alleles (0.00012%); highest among the groups gnomAD compares: Admixed American, 0.0033%; no homozygotes.

Submissions (7):

Labcorp Genetics (formerly Invitae), Labcorp
Classification: Uncertain significance for Hereditary breast ovarian cancer syndrome. Last evaluated: 2025-11-19. Review status: criteria provided, single submitter. Criteria: Invitae Variant Classification Sherloc (09022015). Collection method: clinical testing. Allele origin: germline.
Comment: This sequence change replaces serine, which is neutral and polar, with isoleucine, which is neutral and non-polar, at codon 589 of the BRCA1 protein (p.Ser589Ile). This variant is not present in population databases (gnomAD no frequency). This variant has not been reported in the literature in individuals affected with BRCA1-related conditions. ClinVar contains an entry for this variant (Variation ID: 801061). Invitae Evidence Modeling of protein sequence and biophysical properties (such as structural, functional, and spatial information, amino acid conservation, physicochemical variation, residue mobility, and thermodynamic stability) indicates that this missense variant is not expected to disrupt BRCA1 protein function with a negative predictive value of 80%. In summary, the available evidence is currently insufficient to determine the role of this variant in disease. Therefore, it has been classified as a Variant of Uncertain Significance.

Ambry Genetics
Classification: Uncertain significance for Hereditary cancer-predisposing syndrome. Last evaluated: 2024-05-23. Review status: criteria provided, single submitter. Criteria: Ambry Variant Classification Scheme 2023. Collection method: clinical testing. Allele origin: germline.
Comment: The p.S589I variant (also known as c.1766G>T), located in coding exon 9 of the BRCA1 gene, results from a G to T substitution at nucleotide position 1766. The serine at codon 589 is replaced by isoleucine, an amino acid with dissimilar properties. This amino acid position is not well conserved in available vertebrate species. In addition, the in silico prediction for this alteration is inconclusive. Since supporting evidence is limited at this time, the clinical significance of this alteration remains unclear.

All of Us Research Program, National Institutes of Health
Classification: Uncertain significance for Breast-ovarian cancer, familial, susceptibility to, 1. Last evaluated: 2023-03-23. Review status: criteria provided, single submitter. Criteria: ACMG Guidelines, 2015. Collection method: clinical testing. Allele origin: germline. Inheritance: Autosomal dominant inheritance. Observed: 1 variant allele, 1 heterozygote.
Comment: This missense variant replaces serine with isoleucine at codon 589 of the BRCA1 protein. Computational prediction is inconclusive regarding the impact of this variant on protein structure and function (internally defined REVEL score threshold 0.5 < inconclusive < 0.7, PMID: 27666373). To our knowledge, functional studies have not been reported for this variant. This variant has been reported in a multifactorial analysis with tumor pathology likelihood ratio for pathogenicity of 2.6 (PMID: 31131967). This variant has not been identified in the general population by the Genome Aggregation Database (gnomAD). The available evidence is insufficient to determine the role of this variant in disease conclusively. Therefore, this variant is classified as a Variant of Uncertain Significance.

This study involves interpretation of variants in research participants for the purpose of population health screening. Participant phenotype was not available at the time of variant classification. Additional details can be found in publication PMID: 35346344, PMCID: PMC8962531

University of Washington Department of Laboratory Medicine, University of Washington
Classification: Likely benign for Hereditary cancer-predisposing syndrome. Last evaluated: 2023-03-23. Review status: criteria provided, single submitter. Criteria: Dines et al. (Genet Med. 2020). Collection method: curation. Allele origin: germline.
Comment: Missense variant in a coldspot region where missense variants are very unlikely to be pathogenic (PMID:31911673).

BRCA1 coldspot (exon 11 using historical exon numbering). Reclassification based on statistical prior probability

Color Diagnostics, LLC DBA Color Health
Classification: Uncertain significance for Hereditary cancer-predisposing syndrome. Last evaluated: 2023-03-01. Review status: criteria provided, single submitter. Criteria: ACMG Guidelines, 2015. Collection method: clinical testing. Allele origin: germline.
Comment: This missense variant replaces serine with isoleucine at codon 589 of the BRCA1 protein. Computational prediction is inconclusive regarding the impact of this variant on protein structure and function (internally defined REVEL score threshold 0.5 < inconclusive < 0.7, PMID: 27666373). To our knowledge, functional studies have not been reported for this variant. This variant has been reported in a multifactorial analysis with tumor pathology likelihood ratio for pathogenicity of 2.6 (PMID: 31131967). This variant has not been identified in the general population by the Genome Aggregation Database (gnomAD). The available evidence is insufficient to determine the role of this variant in disease conclusively. Therefore, this variant is classified as a Variant of Uncertain Significance.

Quest Diagnostics Nichols Institute San Juan Capistrano
Classification: Uncertain significance. Last evaluated: 2020-03-05. Review status: criteria provided, single submitter. Criteria: Quest Diagnostics criteria. Collection method: clinical testing. Allele origin: unknown.

Women's Health and Genetics/Laboratory Corporation of America, LabCorp
Classification: Uncertain significance. Last evaluated: 2020-03-02. Review status: criteria provided, single submitter. Criteria: LabCorp Variant Classification Summary - May 2015. Collection method: clinical testing. Allele origin: germline.
Comment: Variant summary: BRCA1 c.1766G>T (p.Ser589Ile) results in a non-conservative amino acid change in the encoded protein sequence. Four of five in-silico tools predict a benign effect of the variant on protein function. The variant was absent in 251004 control chromosomes in gnomAD v2.1, however, it was reported in 1/143244 alleles in gnomAD v3. The available data on variant occurrences in the general population are insufficient to allow any conclusion about variant significance. The variant, c.1766G>T, has been reported in the literature in an individual with breast cancer (Parsons_2019). This report does not provide unequivocal conclusions about association of the variant with Hereditary Breast and Ovarian Cancer. To our knowledge, no experimental evidence demonstrating an impact on protein function has been reported. One clinical diagnostic laboratory has submitted clinical-significance assessments for this variant to ClinVar after 2014 without evidence for independent evaluation, and classified the variant as uncertain significance. Based on the evidence outlined above, the variant was classified as uncertain significance.

Literature cited by the submitters: PubMed 31131967 (cited by 3 submitters).

NM_007294.4(BRCA1):c.1766G>T (p.Ser589Ile)

Gene: BRCA1 (BRCA1 DNA repair associated; minus strand). Cytogenetic location: 17q21.31.
Variant type: single nucleotide variant.
Coding change: c.1766G>T on transcript NM_007294.4 (MANE Select); coding-DNA position 1766, G replaced by T.
Protein change: p.Ser589Ile; replaces serine 589 with isoleucine.
Molecular consequence: missense variant. On other transcripts: intron variant (137).
Genome position (GRCh38, 1-based): chr17:43,093,765, C>A on the plus strand (G>T on the coding strand, the complement: BRCA1 is on the minus strand). VCF-style: chr17-43093765-C-A. GRCh37 (hg19) VCF-style: chr17-41245782-C-A.
Other names: c.1643G>T, p.Ser548Ile (NM_001407676.1, NM_001407677.1, NM_001407678.1 and 19 more transcripts); c.1640G>T, p.Ser547Ile (NM_001407689.1, NM_001407690.1, NM_001407691.1 and 11 more transcripts); c.1625G>T, p.Ser542Ile (NM_001407692.1, NM_001407694.1, NM_001407695.1 and 29 more transcripts); c.1622G>T, p.Ser541Ile (NM_001407740.1, NM_001407741.1, NM_001407742.1 and 20 more transcripts); c.1763G>T, p.Ser588Ile (NM_001407861.1, NM_001407587.1, NM_001407590.1 and 22 more transcripts); c.1565G>T, p.Ser522Ile (NM_001407862.1); c.1562G>T, p.Ser521Ile (NM_001407874.1, NM_001407875.1); c.1556G>T, p.Ser519Ile (NM_001407879.1, NM_001407881.1, NM_001407882.1 and 13 more transcripts); and 40 more; short protein forms S589I, S542I, S462I, S477I, S478I, S521I, S588I, S293I.
Identifiers: ClinVar variation 801061 (VCV000801061.24), dbSNP rs1567798335, ClinGen allele CA10598492.